The following is an entry in ClinVar:

ClinVar aggregate classification (germline): Pathogenic (1 of 4 stars; one submission).

Conditions:
Early-infantile DEE. Also called: Early infantile epileptic encephalopathy; Ohtahara syndrome; Early infantile epileptic encephalopathy with suppression bursts. Identifiers: Orphanet 1934, MedGen C0393706, MONDO:0800491.

Submission:

Labcorp Genetics (formerly Invitae), Labcorp
Classification: Pathogenic for Early-infantile DEE. Last evaluated: 2021-12-08. Review status: criteria provided, single submitter. Criteria: Invitae Variant Classification Sherloc (09022015). Collection method: clinical testing. Allele origin: germline.
Comment: This sequence change replaces phenylalanine, which is neutral and non-polar, with serine, which is neutral and polar, at codon 102 of the SCN1A protein (p.Phe102Ser). This variant is not present in population databases (gnomAD no frequency). This missense change has been observed in individual(s) with clinical features of SCN1A-related conditions (Invitae). In at least one individual the variant was observed to be de novo. Advanced modeling of protein sequence and biophysical properties (such as structural, functional, and spatial information, amino acid conservation, physicochemical variation, residue mobility, and thermodynamic stability) performed at Invitae indicates that this missense variant is expected to disrupt SCN1A protein function. For these reasons, this variant has been classified as Pathogenic.

NM_001165963.4(SCN1A):c.305T>C (p.Phe102Ser)

Gene: SCN1A (sodium voltage-gated channel alpha subunit 1; minus strand). Cytogenetic location: 2q24.3.
Variant type: single nucleotide variant.
Coding change: c.305T>C on transcript NM_001165963.4 (MANE Select); coding-DNA position 305, T replaced by C.
Protein change: p.Phe102Ser; replaces phenylalanine 102 with serine.
Molecular consequence: missense variant. On other transcripts: 5 prime UTR variant (1), non-coding transcript variant (1).
Genome position (GRCh38, 1-based): chr2:166,058,648, A>G on the plus strand (T>C on the coding strand, the complement: SCN1A is on the minus strand). VCF-style: chr2-166058648-A-G. GRCh37 (hg19) VCF-style: chr2-166915158-A-G.
Other names: c.305T>C, p.Phe102Ser (NM_001165964.3, NM_001202435.3, NM_001353948.2 and 10 more transcripts); c.-2121T>C (NM_001353961.2); short protein forms F102S.
Identifiers: ClinVar variation 1457640 (VCV001457640.7), dbSNP rs2105918357, ClinGen allele CA349077129.